The following is an entry in ClinVar:

ClinVar aggregate classification (germline): Likely benign. Review status: criteria provided, multiple submitters, no conflicts (2 of 4 stars). 3 submissions from 3 submitters: Likely benign (3). Last evaluated 2025-10-23.

Conditions:
Glomerulopathy with fibronectin deposits 2 (GFND2). Identifiers: Orphanet 84090, MedGen C1866075, MONDO:0011165, OMIM 601894.
Spondylometaphyseal dysplasia - Sutcliffe type. Also called: Spondylometaphyseal dysplasia, 'corner fracture' type; Sutcliffe type of spondylometaphyseal dysplasia; Sutcliffe SMD; Spondylometaphyseal Dysplasia, Corner Fracture Type. Identifiers: Orphanet 93315, MedGen C0432221, MONDO:0008479, OMIM 184255.

Allele frequency attached by ClinVar (database versions not stated): gnomAD exomes 0.00007 and 0.00012; ESP Exome Variant Server 0.00008; ExAC 0.00009; TOPMed 0.00009; gnomAD 0.00010.
gnomAD v4.1: 191 of 1,571,208 alleles (0.012%); highest among the groups gnomAD compares: East Asian, 0.045%; no homozygotes.

Submissions (3):

Labcorp Genetics (formerly Invitae), Labcorp
Classification: Likely benign. Last evaluated: 2025-10-23. Review status: criteria provided, single submitter. Criteria: Invitae Variant Classification Sherloc (09022015). Collection method: clinical testing. Allele origin: germline.

Mayo Clinic Laboratories, Mayo Clinic
Classification: Likely benign. Last evaluated: 2025-09-18. Review status: criteria provided, single submitter. Criteria: ACMG Guidelines, 2015. Collection method: clinical testing. Allele origin: germline. Observed: 1 variant allele.
Comment: BS1, BP7

Fulgent Genetics
Classification: Likely benign for Spondylometaphyseal dysplasia - Sutcliffe type; Glomerulopathy with fibronectin deposits 2. Last evaluated: 2022-04-29. Review status: criteria provided, single submitter. Criteria: ACMG Guidelines, 2015. Collection method: clinical testing. Allele origin: unknown.

NM_212482.4(FN1):c.5051-9C>A

Gene: FN1 (fibronectin 1; minus strand). Cytogenetic location: 2q35.
Variant type: single nucleotide variant.
Coding change: c.5051-9C>A on transcript NM_212482.4 (MANE Select); 9 bases into the intron before coding-DNA position 5051, C replaced by A.
Molecular consequence: intron variant.
Genome position (GRCh38, 1-based): chr2:215,382,334, G>T on the plus strand (C>A on the coding strand, the complement: FN1 is on the minus strand). VCF-style: chr2-215382334-G-T. GRCh37 (hg19) VCF-style: chr2-216247057-G-T.
Other names: p.?; c.4778-9C>A (NM_212474.3, NM_001306132.2, NM_001365523.2 and 7 more transcripts); c.5051-9C>A (NM_001306130.2, NM_001365522.2, NM_001365519.2 and 4 more transcripts).
Identifiers: ClinVar variation 1534344 (VCV001534344.10), dbSNP rs376036111, ClinGen allele CA2094241.